The following is an entry in ClinVar:

NM_001289808.2(CRYAB):c.134G>A (p.Ser45Asn)

Gene: CRYAB (crystallin alpha B; minus strand). Cytogenetic location: 11q23.1.
Variant type: single nucleotide variant.
Coding change: c.134G>A on transcript NM_001289808.2 (MANE Select); coding-DNA position 134, G replaced by A.
Protein change: p.Ser45Asn; replaces serine 45 with asparagine.
Molecular consequence: missense variant.
Genome position (GRCh38, 1-based): chr11:111,911,591, C>T on the plus strand (G>A on the coding strand, the complement: CRYAB is on the minus strand). VCF-style: chr11-111911591-C-T. GRCh37 (hg19) VCF-style: chr11-111782315-C-T.
Other names: p.Ser45Asn; c.134G>A (NM_001885.1); c.134G>A, p.Ser45Asn (NM_001289807.1, NM_001368245.1, NM_001885.3); short protein forms S45N.
Identifiers: ClinVar variation 477731 (VCV000477731.10), dbSNP rs931730154, ClinGen allele CA228546453.

ClinVar aggregate classification (germline): Uncertain significance. Review status: criteria provided, multiple submitters, no conflicts (2 of 4 stars). 5 submissions from 5 submitters: Uncertain significance (5). Last evaluated 2025-10-09.

Conditions:
Cardiovascular phenotype. Identifiers: MedGen CN230736.
Dilated cardiomyopathy 1II (CMD1II). Identifiers: Orphanet 154, MedGen C3554649, MONDO:0014073, OMIM 615184.

Allele frequency attached by ClinVar (database versions not stated): gnomAD 0.00001; gnomAD exomes 0.00001 and 0.00002; TOPMed 0.00001.
gnomAD v4.1: 30 of 1,613,246 alleles (0.0019%); highest among the groups gnomAD compares: Admixed American, 0.0033%; no homozygotes.

Submissions (5):

Mayo Clinic Laboratories, Mayo Clinic
Classification: Uncertain significance. Last evaluated: 2025-10-09. Review status: criteria provided, single submitter. Criteria: ACMG Guidelines, 2015. Collection method: clinical testing. Allele origin: germline. Observed: 1 variant allele.

Ambry Genetics
Classification: Uncertain significance for Cardiovascular phenotype. Last evaluated: 2025-08-18. Review status: criteria provided, single submitter. Criteria: Ambry Variant Classification Scheme 2023. Collection method: clinical testing. Allele origin: germline.
Comment: The p.S45N variant (also known as c.134G>A), located in coding exon 1 of the CRYAB gene, results from a G to A substitution at nucleotide position 134. The serine at codon 45 is replaced by asparagine, an amino acid with highly similar properties. This variant was reported in individual(s) with features consistent with dilated cardiomyopathy (DCM) (Mazzarotto F et al. Circulation, 2020 Feb;141:387-398; Janin A et al. Mol Diagn Ther, 2021 May;25:373-385). This amino acid position is well conserved in available vertebrate species. In addition, this alteration is predicted to be tolerated by in silico analysis. Based on the available evidence, the clinical significance of this variant remains unclear.

Labcorp Genetics (formerly Invitae), Labcorp
Classification: Uncertain significance for Dilated cardiomyopathy 1II. Last evaluated: 2025-02-13. Review status: criteria provided, single submitter. Criteria: Invitae Variant Classification Sherloc (09022015). Collection method: clinical testing. Allele origin: germline.
Comment: This sequence change replaces serine, which is neutral and polar, with asparagine, which is neutral and polar, at codon 45 of the CRYAB protein (p.Ser45Asn). This variant is present in population databases (no rsID available, gnomAD 0.003%). This missense change has been observed in individual(s) with dilated cardiomyopathy (PMID: 31983221). ClinVar contains an entry for this variant (Variation ID: 477731). An algorithm developed to predict the effect of missense changes on protein structure and function (PolyPhen-2) suggests that this variant is likely to be tolerated. In summary, the available evidence is currently insufficient to determine the role of this variant in disease. Therefore, it has been classified as a Variant of Uncertain Significance.

GeneDx
Classification: Uncertain significance. Last evaluated: 2024-06-11. Review status: criteria provided, single submitter. Criteria: GeneDx Variant Classification Process June 2021. Collection method: clinical testing. Allele origin: germline. Affected: yes.
Comment: Identified in a patient with DCM in published literature (PMID: 31983221); Not observed at significant frequency in large population cohorts (gnomAD); In silico analysis indicates that this missense variant does not alter protein structure/function; This variant is associated with the following publications: (PMID: 32420686, 31983221)

Blueprint Genetics
Classification: Uncertain significance. Last evaluated: 2020-09-09. Review status: criteria provided, single submitter. Criteria: ACMG Guidelines, 2015. Collection method: clinical testing. Allele origin: germline.

Literature cited by the submitters: PubMed 31983221 (cited by 3 submitters); PubMed 33954932 (cited by Ambry Genetics).